The following is an entry in ClinVar:

NM_001354604.2(MITF):c.851A>G (p.Asn284Ser)

Gene: MITF (melanocyte inducing transcription factor; plus strand). Cytogenetic location: 3p13.
Variant type: single nucleotide variant.
Coding change: c.851A>G on transcript NM_001354604.2 (MANE Select); coding-DNA position 851, A replaced by G.
Protein change: p.Asn284Ser; replaces asparagine 284 with serine.
Molecular consequence: missense variant.
Genome position (GRCh38, 1-based): chr3:69,949,139, A>G. VCF-style: chr3-69949139-A-G. GRCh37 (hg19) VCF-style: chr3-69998290-A-G.
Other names: c.803A>G, p.Asn268Ser (NM_198177.3); c.362A>G, p.Asn121Ser (NM_198178.3); c.530A>G, p.Asn177Ser (NM_000248.4, NM_198158.3); c.695A>G, p.Asn232Ser (NM_001184967.2, NM_001354608.2); c.848A>G, p.Asn283Ser (NM_001354605.2, NM_001354606.2, NM_006722.3); c.800A>G, p.Asn267Ser (NM_001354607.2); c.851A>G, p.Asn284Ser (NM_198159.3); short protein forms N121S, N267S, N268S, N284S, N177S, N283S, N232S.
Identifiers: ClinVar variation 4108276 (VCV004108276.1).

ClinVar aggregate classification (germline): Uncertain significance (1 of 4 stars; one submission).

Conditions:
Hereditary cancer-predisposing syndrome. Also called: Tumor predisposition; Neoplastic Syndromes, Hereditary; Hereditary neoplastic syndrome; Hereditary Cancer Syndrome. Identifiers: Orphanet 140162, MedGen C0027672, MeSH D009386, MONDO:0015356.

Submission:

Ambry Genetics
Classification: Uncertain significance for Hereditary cancer-predisposing syndrome. Last evaluated: 2025-06-15. Review status: criteria provided, single submitter. Criteria: Ambry Variant Classification Scheme 2023. Collection method: clinical testing. Allele origin: germline.
Comment: The p.N177S variant (also known as c.530A>G), located in coding exon 5 of the MITF gene, results from an A to G substitution at nucleotide position 530. The asparagine at codon 177 is replaced by serine, an amino acid with highly similar properties. This amino acid position is conserved. In addition, this alteration is predicted to be tolerated by in silico analysis. Based on the available evidence, the clinical significance of this variant remains unclear.